The following is an entry in ClinVar:

ClinVar aggregate classification (germline): Uncertain significance (1 of 4 stars; one submission).

Conditions:
Pyknodysostosis. Also called: Pycnodysostosis. Identifiers: Orphanet 763, MedGen C0238402, MONDO:0009940, OMIM 265800.

Submission:

Kasturba Medical College, Manipal, Kasturba Medical College, Manipal, Manipal Academy of Higher Education, Manipal, India
Classification: Uncertain significance for Pyknodysostosis. Last evaluated: 2026-03-05. Review status: criteria provided, single submitter. Criteria: ACMG Guidelines, 2015. Collection method: research. Allele origin: unknown. Inheritance: Autosomal recessive inheritance. Affected: yes.
Comment: This variant is absent in heterozygous and/or homozygous state in gnomAD (v4.1.0) and in our in-house database of 3987 exomes. In-silico analysis tools (REVEL and AlphaMissense) predict the variant as disease-causing and likely to affect the CTSK protein function. The clinical features observed in the proband are in concordance with pycnodysostosis.

NM_000396.4(CTSK):c.410G>T (p.Gly137Val)

Gene: CTSK (cathepsin K; minus strand). Cytogenetic location: 1q21.3.
Variant type: single nucleotide variant.
Coding change: c.410G>T on transcript NM_000396.4 (MANE Select); coding-DNA position 410, G replaced by T.
Protein change: p.Gly137Val; replaces glycine 137 with valine.
Molecular consequence: missense variant.
Genome position (GRCh38, 1-based): chr1:150,804,229, C>A on the plus strand (G>T on the coding strand, the complement: CTSK is on the minus strand). VCF-style: chr1-150804229-C-A. GRCh37 (hg19) VCF-style: chr1-150776705-C-A.
Other names: short protein forms G137V.
Identifiers: ClinVar variation 4814176 (VCV004814176.1).
Genomic context (GRCh38, chr1:150,804,229, plus strand): 5'-CCAGTTTTCTTCTTGAGTTGGCCCTCCAGGGCACCCACAGAGCTAAAAGCCCAACAGGAA[C>A]CACACTGACCCTGAAAGGCATACAGAGAAACTATCAATCTTTGCTGTTTACATTTTCTAT-3'
Protein context (NP_000387.1, residues 127-147): VTPVKNQGQC[Gly137Val]SCWAFSSVGA